The following is an entry in ClinVar:

NM_012210.4(TRIM32):c.153A>G (p.Leu51=)

Genes: ASTN2 (astrotactin 2; minus strand), TRIM32 (tripartite motif containing 32; plus strand). Cytogenetic location: 9q33.1.
Variant type: single nucleotide variant.
Coding change: c.153A>G on transcript NM_012210.4 (MANE Select); coding-DNA position 153, A replaced by G.
Protein change: p.Leu51=; no amino-acid change (leucine 51 retained).
Molecular consequence: synonymous variant. On other transcripts: intron variant (3).
Genome position (GRCh38, 1-based): chr9:116,697,895, A>G. VCF-style: chr9-116697895-A-G. GRCh37 (hg19) VCF-style: chr9-119460174-A-G.
Other names: c.153A>G, p.Leu51= (NM_001099679.2, NM_001379048.1, NM_001379049.1 and 1 more transcripts); c.2653+27876T>C (NM_014010.5); c.2794+27876T>C (NM_001365069.1); c.2806+27876T>C (NM_001365068.1).
Identifiers: ClinVar variation 1619665 (VCV001619665.11), dbSNP rs1413028401, ClinGen allele CA466915806.
Genomic context (GRCh38, chr9:116,697,895, plus strand): 5'-GCTGCGTCCCAAGCTTCTGCACTGTGGCCATACCATCTGCCGCCAGTGCCTGGAGAAGCT[A>G]TTGGCCAGTAGCATCAATGGTGTCCGCTGTCCCTTTTGCAGCAAGATTACCCGCATAACC-3'
Protein context (NP_036342.2, residues 41-61): HTICRQCLEK[Leu51=]LASSINGVRC

ClinVar aggregate classification (germline): Likely benign. Review status: criteria provided, multiple submitters, no conflicts (2 of 4 stars). 3 submissions from 3 submitters: Likely benign (2). 1 of the submissions does not count toward it. Last evaluated 2025-10-29.

Conditions:
Bardet-Biedl syndrome (BBS). Identifiers: Orphanet 110, MedGen C0752166, MONDO:0015229.
TRIM32-related disorder. Also called: TRIM32-related condition.

Allele frequency attached by ClinVar (database versions not stated): gnomAD exomes below 0.00001.
gnomAD v4.1: 4 of 1,614,080 alleles (0.00025%); highest among the groups gnomAD compares: African/African-American, 0.0027%; no homozygotes.

Submissions (3):

Labcorp Genetics (formerly Invitae), Labcorp
Classification: Likely benign for Bardet-Biedl syndrome. Last evaluated: 2025-10-29. Review status: criteria provided, single submitter. Criteria: Invitae Variant Classification Sherloc (09022015). Collection method: clinical testing. Allele origin: germline.

Blueprint Genetics
Classification: Likely benign. Last evaluated: 2021-08-17. Review status: criteria provided, single submitter. Criteria: ACMG Guidelines, 2015. Collection method: clinical testing. Allele origin: germline.

PreventionGenetics, part of Exact Sciences
Classification: Likely benign for TRIM32-related condition. Last evaluated: 2019-09-25. Review status: no assertion criteria provided. Collection method: clinical testing. Allele origin: germline. Not counted in ClinVar's aggregate classification.
Comment: This variant is classified as likely benign based on ACMG/AMP sequence variant interpretation guidelines (Richards et al. 2015 PMID: 25741868, with internal and published modifications).